The following is an entry in ClinVar:

ClinVar aggregate classification (germline): Uncertain significance (1 of 4 stars; one submission).

Conditions:
Asphyxiating thoracic dystrophy 5 (SRTD5). Also called: SHORT-RIB THORACIC DYSPLASIA 5 WITH OR WITHOUT POLYDACTYLY; SHORT-RIB THORACIC DYSPLASIA 5 WITHOUT POLYDACTYLY. Identifiers: Orphanet 474, MedGen C3280598, MONDO:0013717, OMIM 614376.
Senior-Loken syndrome 8 (SLSN8). Identifiers: Orphanet 3156, MedGen C4225376, MONDO:0014579, OMIM 616307.

Allele frequency attached by ClinVar (database versions not stated): TOPMed below 0.00001.
gnomAD v4.1: 1 of 1,602,812 alleles (0.000062%); highest among the groups gnomAD compares: Admixed American, 0.0017%; no homozygotes.

Submission:

Labcorp Genetics (formerly Invitae), Labcorp
Classification: Uncertain significance for Senior-Loken syndrome 8; Asphyxiating thoracic dystrophy 5. Last evaluated: 2022-02-08. Review status: criteria provided, single submitter. Criteria: Invitae Variant Classification Sherloc (09022015). Collection method: clinical testing. Allele origin: germline.
Comment: This sequence change replaces leucine, which is neutral and non-polar, with isoleucine, which is neutral and non-polar, at codon 225 of the WDR19 protein (p.Leu225Ile). This variant is not present in population databases (gnomAD no frequency). This variant has not been reported in the literature in individuals affected with WDR19-related conditions. Algorithms developed to predict the effect of missense changes on protein structure and function are either unavailable or do not agree on the potential impact of this missense change (SIFT: "Deleterious"; PolyPhen-2: "Possibly Damaging"; Align-GVGD: "Class C0"). In summary, the available evidence is currently insufficient to determine the role of this variant in disease. Therefore, it has been classified as a Variant of Uncertain Significance.

NM_025132.4(WDR19):c.673C>A (p.Leu225Ile)

Gene: WDR19 (WD repeat domain 19; plus strand). Cytogenetic location: 4p14.
Variant type: single nucleotide variant.
Coding change: c.673C>A on transcript NM_025132.4 (MANE Select); coding-DNA position 673, C replaced by A.
Protein change: p.Leu225Ile; replaces leucine 225 with isoleucine.
Molecular consequence: missense variant.
Genome position (GRCh38, 1-based): chr4:39,205,223, C>A. VCF-style: chr4-39205223-C-A. GRCh37 (hg19) VCF-style: chr4-39206843-C-A.
Other names: c.193C>A, p.Leu65Ile (NM_001317924.2); short protein forms L225I, L65I.
Identifiers: ClinVar variation 1523876 (VCV001523876.6), dbSNP rs1727822059, ClinGen allele CA356633972.